The following is an entry in ClinVar:

ClinVar aggregate classification (germline): Uncertain significance. Review status: criteria provided, multiple submitters, no conflicts (2 of 4 stars). 2 submissions from 2 submitters: Uncertain significance (2). Last evaluated 2025-09-15.

Submissions (2):

Mayo Clinic Laboratories, Mayo Clinic
Classification: Uncertain significance. Last evaluated: 2025-09-15. Review status: criteria provided, single submitter. Criteria: ACMG Guidelines, 2015. Collection method: clinical testing. Allele origin: germline. Observed: 2 variant alleles.
Comment: PP3, PM2_moderate

Revvity Omics, Revvity
Classification: Uncertain significance. Last evaluated: 2025-01-08. Review status: criteria provided, single submitter. Criteria: ACMG Guidelines, 2015. Collection method: clinical testing. Allele origin: germline.

NM_001142864.4(PIEZO1):c.4492_4495+5dup

Gene: PIEZO1 (piezo type mechanosensitive ion channel component 1 (Er blood group); minus strand). Cytogenetic location: 16q24.3.
Variant type: Duplication.
Coding change: c.4492_4495+5dup on transcript NM_001142864.4 (MANE Select); coding-DNA position 4492 through 5 bases into the intron after coding-DNA position 4495, 9 bases duplicated (GCAGGTACG; older notation c.4492_4495+5dupGCAGGTACG).
Molecular consequence: splice donor variant.
Genome position (GRCh38, 1-based): chr16:88,723,090-88,723,098, CGTACCTGC duplicated on the plus strand (GCAGGTACG on the coding strand, the reverse complement: PIEZO1 is on the minus strand); duplicating any 9 consecutive bases within chr16:88,723,090-88,723,100 gives the same sequence; the c. name uses the placement nearest the transcript's 3' end. VCF-style (leftmost placement, unchanged base first): chr16-88723089-A-ACGTACCTGC. GRCh37 (hg19) VCF-style: chr16-88789497-A-ACGTACCTGC.
Other names: p.?.
Identifiers: ClinVar variation 3380423 (VCV003380423.3).
Genomic context (GRCh38, chr16:88,723,089, plus strand): 5'-GGCGCTGGAGGGGCAGCCTGTGGGGCCAAGAGAGACCTCCCACTCCCCAGCCCCGGGCCC[A>ACGTACCTGC]CGTACCTGCCGCTGCCTCCTCGGGGCCCTCTGCTGGCTCCACCTCCTGGCTGGGACCACC-3'